The following is an entry in ClinVar:

ClinVar aggregate classification (germline): Uncertain significance (1 of 4 stars; one submission).

Conditions:
Autosomal recessive limb-girdle muscular dystrophy type 2J (LGMDR10). Also called: Limb-girdle muscular dystrophy, type 2J; MUSCULAR DYSTROPHY, LIMB-GIRDLE, AUTOSOMAL RECESSIVE 10. Identifiers: Orphanet 140922, MedGen C1837342, MONDO:0012127, OMIM 608807.
Dilated cardiomyopathy 1G (CMD1G). Identifiers: Orphanet 154, MedGen C1858763, MONDO:0011400, OMIM 604145.

Submission:

Labcorp Genetics (formerly Invitae), Labcorp
Classification: Uncertain significance for Dilated cardiomyopathy 1G; Autosomal recessive limb-girdle muscular dystrophy type 2J. Last evaluated: 2023-07-29. Review status: criteria provided, single submitter. Criteria: Invitae Variant Classification Sherloc (09022015). Collection method: clinical testing. Allele origin: unknown.
Comment: Experimental studies and prediction algorithms are not available or were not evaluated, and the functional significance of this variant is currently unknown. In summary, the available evidence is currently insufficient to determine the role of this variant in disease. Therefore, it has been classified as a Variant of Uncertain Significance. This variant disrupts the I band(s) of TTN (PMID: 25589632). Copy number variants in TTN have been previously reported in individuals affected with neuromuscular disorders (PMID: 29792937, 30238059), but the functional significance of this variant is currently unknown. This variant has not been reported in the literature in individuals affected with TTN-related conditions. This variant is a gross deletion of the genomic region encompassing exon(s) 133-205 of the TTN gene. This variant would be expected to be in-frame, preserving the integrity of the reading frame.

Literature cited by the submitters: PubMed 25589632; PubMed 29792937; PubMed 30238059.

NC_000002.11:g.(?_179516591)_(179548829_?)del

Gene: TTN (titin; minus strand). Cytogenetic location: 2q31.2.
Variant type: Deletion.
Identifiers: ClinVar variation 3247281 (VCV003247281.1).